The following is an entry in ClinVar:

NM_000093.5(COL5A1):c.273C>A (p.Tyr91Ter)

Gene: COL5A1 (collagen type V alpha 1 chain; plus strand). Cytogenetic location: 9q34.3.
Variant type: single nucleotide variant.
Coding change: c.273C>A on transcript NM_000093.5 (MANE Select); coding-DNA position 273, C replaced by A.
Protein change: p.Tyr91Ter; replaces tyrosine 91 with a stop codon.
Molecular consequence: nonsense.
Genome position (GRCh38, 1-based): chr9:134,691,075, C>A. VCF-style: chr9-134691075-C-A. GRCh37 (hg19) VCF-style: chr9-137582921-C-A.
Other names: c.273C>A, p.Tyr91Ter (NM_001278074.1); short protein forms Y91*.
Identifiers: ClinVar variation 432116 (VCV000432116.2), dbSNP rs1341789008, ClinGen allele CA375440700.
Genomic context (GRCh38, chr9:134,691,075, plus strand): 5'-GGATGTCGCTTACAGAGTCACCAAAGACGCGCAGCTCAGCGCACCCACCAAGCAGCTGTA[C>A]CCTGGTAAGTGCCGCACCCTTCTGTTTGGGGCGGTGGGTCCCGTTGGCCCTCTGGCCTCC-3'

ClinVar aggregate classification (germline): Likely pathogenic (1 of 4 stars; one submission).

Submission:

GeneDx
Classification: Likely pathogenic. Last evaluated: 2016-03-15. Review status: criteria provided, single submitter. Criteria: GeneDx Variant Classification (06012015). Collection method: clinical testing. Allele origin: germline. Affected: yes.
Comment: The Y91X variant in the COL5A1 gene has not been reported as a pathogenic variant or as a benign variant to our knowledge. Y91X is predicted to cause loss of normal protein function either by protein truncation or nonsense-mediated mRNA decay. Other downstream nonsense variants in the COL5A1 gene have been reported in HGMD in association with Ehlers-Danlos syndrome (Stenson et al., 2014). Furthermore, the Y91X pathogenic variant was not observed in approximately 6,500 individuals of European and African American ancestry in the NHLBI Exome Sequencing Project, indicating it is not a common benign variant in these populations.